The following is an entry in ClinVar:

ClinVar aggregate classification (germline): Uncertain significance (1 of 4 stars; one submission).

Conditions:
Arrhythmogenic right ventricular dysplasia 13. Also called: Arrhythmogenic right ventricular dysplasia, familial, 13; ARRHYTHMOGENIC RIGHT VENTRICULAR CARDIOMYOPATHY 13. Identifiers: MedGen C3810138, MONDO:0000908, OMIM 615616.

Submission:

Labcorp Genetics (formerly Invitae), Labcorp
Classification: Uncertain significance for Arrhythmogenic right ventricular dysplasia 13. Last evaluated: 2022-01-12. Review status: criteria provided, single submitter. Criteria: Invitae Variant Classification Sherloc (09022015). Collection method: clinical testing. Allele origin: germline.
Comment: This sequence change replaces alanine, which is neutral and non-polar, with threonine, which is neutral and polar, at codon 271 of the CTNNA3 protein (p.Ala271Thr). In summary, the available evidence is currently insufficient to determine the role of this variant in disease. Therefore, it has been classified as a Variant of Uncertain Significance. Algorithms developed to predict the effect of missense changes on protein structure and function output the following: SIFT: "Deleterious"; PolyPhen-2: "Possibly Damaging"; Align-GVGD: "Class C0". The threonine amino acid residue is found in multiple mammalian species, which suggests that this missense change does not adversely affect protein function. This variant has not been reported in the literature in individuals affected with CTNNA3-related conditions. This variant is not present in population databases (gnomAD no frequency).

NM_013266.4(CTNNA3):c.811G>A (p.Ala271Thr)

Gene: CTNNA3 (catenin alpha 3; minus strand). Cytogenetic location: 10q21.3.
Variant type: single nucleotide variant.
Coding change: c.811G>A on transcript NM_013266.4 (MANE Select); coding-DNA position 811, G replaced by A.
Protein change: p.Ala271Thr; replaces alanine 271 with threonine.
Molecular consequence: missense variant.
Genome position (GRCh38, 1-based): chr10:67,219,639, C>T on the plus strand (G>A on the coding strand, the complement: CTNNA3 is on the minus strand). VCF-style: chr10-67219639-C-T. GRCh37 (hg19) VCF-style: chr10-68979397-C-T.
Other names: c.811G>A, p.Ala271Thr (NM_001127384.3); c.847G>A, p.Ala283Thr (NM_001291133.2); short protein forms A283T, A271T.
Identifiers: ClinVar variation 1944428 (VCV001944428.5), dbSNP rs2548039460, ClinGen allele CA377097205.